The following is an entry in ClinVar:

NM_004279.3(PMPCB):c.736+1G>T

Gene: PMPCB (peptidase, mitochondrial processing subunit beta; plus strand). Cytogenetic location: 7q22.1.
Variant type: single nucleotide variant.
Coding change: c.736+1G>T on transcript NM_004279.3 (MANE Select); the canonical splice donor site of the intron after coding-DNA position 736, G replaced by T.
Molecular consequence: splice donor variant.
Genome position (GRCh38, 1-based): chr7:103,304,491, G>T. VCF-style: chr7-103304491-G-T. GRCh37 (hg19) VCF-style: chr7-102944938-G-T.
Other names: c.736+1G>T (NM_001438231.1).
Identifiers: ClinVar variation 4884474 (VCV004884474.1).

ClinVar aggregate classification (germline): Likely pathogenic (1 of 4 stars; one submission).

Conditions:
Multiple mitochondrial dysfunctions syndrome 6. Identifiers: Orphanet 569290, MedGen C4693741, MONDO:0054785, OMIM 617954.

gnomAD v4.1: 1 of 1,591,428 alleles (0.000063%); highest among the groups gnomAD compares: African/African-American, 0.0013%; no homozygotes.

Submission:

Diagnostics Services (NGS), CSIR - Centre For Cellular And Molecular Biology
Classification: Likely pathogenic for Multiple mitochondrial dysfunctions syndrome 6. Last evaluated: 2026-07-10. Review status: criteria provided, single submitter. Criteria: ACMG Guidelines, 2015. Collection method: clinical testing. Allele origin: germline. Affected: no. Observed: 2 variant alleles, 2 heterozygotes.
Comment: The c.736+1G>T variant is not present in 1000 Genomes, EVS, Indian Exome Database and our internal database. The variant is present in gnomAD, at a low frequency. This variant has neither been published in the literature for PMPCB-related conditions nor reported to clinical databases like HGMD, ClinVar or OMIM in any affected individuals. Algorithms developed to predict the effect of sequence changes on RNA splicing suggest that this variant can disrupt the consensus splice site. In-silico pathogenicity prediction programs like HSF-Pro, MutationTaster2021, CADD, Varsome, Franklin, etc predicted this variant to be likely deleterious, however these predictions were not confirmed by published functional/translational studies. This variant was identified in a couple as a part carrier screening.